The following is an entry in ClinVar:

ClinVar aggregate classification (germline): Uncertain significance (1 of 4 stars; one submission).

Conditions:
RFX6-related disorder. Also called: RFX6-related condition.

gnomAD v4.1: 5 of 1,614,200 alleles (0.00031%); highest among the groups gnomAD compares: Non-Finnish European, 0.00042%; no homozygotes.

Submission:

PreventionGenetics, part of Exact Sciences
Classification: Uncertain significance for RFX6-related condition. Last evaluated: 2026-07-06. Review status: criteria provided, single submitter. Criteria: ACMG Guidelines, 2015. Collection method: clinical testing. Allele origin: germline.
Comment: The RFX6 c.2068C>T variant is predicted to result in the amino acid substitution p.Pro690Ser. To our knowledge, this variant has not been reported in the literature. This variant is reported in 0.00088% of alleles in individuals of European (Non-Finnish) descent in gnomAD. At this time, the clinical significance of this variant is uncertain due to the absence of conclusive functional and genetic evidence.

NM_173560.4(RFX6):c.2068C>T (p.Pro690Ser)

Gene: RFX6 (regulatory factor X6; plus strand). Cytogenetic location: 6q22.1.
Variant type: single nucleotide variant.
Coding change: c.2068C>T on transcript NM_173560.4 (MANE Select); coding-DNA position 2068, C replaced by T.
Protein change: p.Pro690Ser; replaces proline 690 with serine.
Molecular consequence: missense variant.
Genome position (GRCh38, 1-based): chr6:116,927,209, C>T. VCF-style: chr6-116927209-C-T. GRCh37 (hg19) VCF-style: chr6-117248372-C-T.
Other names: short protein forms P690S.
Identifiers: ClinVar variation 4993891 (VCV004993891.1), dbSNP rs267600779.
Genomic context (GRCh38, chr6:116,927,209, plus strand): 5'-CCAGTACTGTCAGCTCCATCACACTGCTCCACATACCCAGAGCCCATTTATCCCACTCTC[C>T]CTCAAGCCAATCATGACTTTTATAGCACCAGCTCTAACTACCAGACTGTGTTTAGGGCAC-3'
Protein context (NP_775831.2, residues 680-700): TYPEPIYPTL[Pro690Ser]QANHDFYSTS